The following is an entry in ClinVar:

ClinVar aggregate classification (germline): Uncertain significance. Review status: criteria provided, single submitter (1 of 4 stars). 2 submissions from 2 submitters: Uncertain significance (1). 1 of the submissions does not count toward it. Last evaluated 2024-02-05.

Conditions:
SPTA1-related disorder. Also called: SPTA1-related disorders; SPTA1-related condition.

Allele frequency attached by ClinVar (database versions not stated): gnomAD exomes 0.00002; gnomAD 0.00001; ExAC 0.00001; TOPMed 0.00002.
gnomAD v4.1: 30 of 1,613,880 alleles (0.0019%); highest among the groups gnomAD compares: Non-Finnish European, 0.0023%; no homozygotes.

Submissions (2):

Revvity Omics, Revvity
Classification: Uncertain significance. Last evaluated: 2024-02-05. Review status: criteria provided, single submitter. Criteria: ACMG Guidelines, 2015. Collection method: clinical testing. Allele origin: germline.

PreventionGenetics, part of Exact Sciences
Classification: Uncertain significance for SPTA1-related condition. Last evaluated: 2024-02-08. Review status: no assertion criteria provided. Collection method: clinical testing. Allele origin: germline. Not counted in ClinVar's aggregate classification.
Comment: The SPTA1 c.3977T>G variant is predicted to result in the amino acid substitution p.Ile1326Ser. To our knowledge, this variant has not been reported in the literature. This variant is reported in 0.0027% of alleles in individuals of European (Non-Finnish) descent in gnomAD. At this time, the clinical significance of this variant is uncertain due to the absence of conclusive functional and genetic evidence.

NM_003126.4(SPTA1):c.3977T>G (p.Ile1326Ser)

Gene: SPTA1 (spectrin alpha, erythrocytic 1; minus strand). Cytogenetic location: 1q23.1.
Variant type: single nucleotide variant.
Coding change: c.3977T>G on transcript NM_003126.4 (MANE Select); coding-DNA position 3977, T replaced by G.
Protein change: p.Ile1326Ser; replaces isoleucine 1326 with serine.
Molecular consequence: missense variant.
Genome position (GRCh38, 1-based): chr1:158,645,514, A>C on the plus strand (T>G on the coding strand, the complement: SPTA1 is on the minus strand). VCF-style: chr1-158645514-A-C. GRCh37 (hg19) VCF-style: chr1-158615304-A-C.
Other names: short protein forms I1326S.
Identifiers: ClinVar variation 3054597 (VCV003054597.3), dbSNP rs759401289, ClinGen allele CA1182874.
Genomic context (GRCh38, chr1:158,645,514, plus strand): 5'-TCAGGTCAAGTGATCAGTGGCTGTGACTTTTGTAGTTTTACCTGATGTCTCTCCAGCAAG[A>C]TCTCTATGCCAGTTAAGTCTTCGGCCAGCTCCTGTGATGATACCATGCCACCAATGCTAC-3'
Protein context (NP_003117.2, residues 1316-1336): ELAEDLTGIE[Ile1326Ser]LLERHQEHRA